The following is an entry in ClinVar:

ClinVar aggregate classification (germline): Likely benign. Review status: criteria provided, multiple submitters, no conflicts (2 of 4 stars). 4 submissions from 4 submitters: Likely benign (4). Last evaluated 2026-01-26.

Conditions:
SCN3A-related disorder. Also called: SCN3A-related condition.

Allele frequency attached by ClinVar (database versions not stated): ExAC 0.00028; gnomAD exomes 0.00030 and 0.00025; 1000 Genomes Project 30x 0.00031; gnomAD 0.00043; TOPMed 0.00065; 1000 Genomes Project 0.00020; ESP Exome Variant Server 0.00023.
gnomAD v4.1: 449 of 1,614,152 alleles (0.028%); highest among the groups gnomAD compares: Middle Eastern, 0.58%; 2 homozygotes.

Submissions (4):

Labcorp Genetics (formerly Invitae), Labcorp
Classification: Likely benign. Last evaluated: 2026-01-26. Review status: criteria provided, single submitter. Criteria: Invitae Variant Classification Sherloc (09022015). Collection method: clinical testing. Allele origin: germline.

CeGaT Center for Human Genetics Tuebingen
Classification: Likely benign. Last evaluated: 2026-01-01. Review status: criteria provided, single submitter. Criteria: CeGaT Center For Human Genetics Tuebingen Variant Classification Criteria Version 2. Collection method: clinical testing. Allele origin: germline. Affected: yes. Observed: 2 variant alleles.
Comment: SCN3A: BP4, BP7

PreventionGenetics, part of Exact Sciences
Classification: Likely benign for SCN3A-related condition. Last evaluated: 2025-09-03. Review status: criteria provided, single submitter. Criteria: ACMG Guidelines, 2015. Collection method: clinical testing. Allele origin: germline.
Comment: This variant is classified as likely benign based on ACMG/AMP sequence variant interpretation guidelines (Richards et al. 2015 PMID: 25741868, with internal and published modifications).

Blueprint Genetics
Classification: Likely benign. Last evaluated: 2024-10-30. Review status: criteria provided, single submitter. Criteria: ACMG Guidelines, 2015. Collection method: clinical testing. Allele origin: germline.

NM_006922.4(SCN3A):c.2602C>T (p.Leu868=)

Gene: SCN3A (sodium voltage-gated channel alpha subunit 3; minus strand). Cytogenetic location: 2q24.3.
Variant type: single nucleotide variant.
Coding change: c.2602C>T on transcript NM_006922.4 (MANE Select); coding-DNA position 2602, C replaced by T.
Protein change: p.Leu868=; no amino-acid change (leucine 868 retained).
Molecular consequence: synonymous variant.
Genome position (GRCh38, 1-based): chr2:165,130,260, G>A on the plus strand (C>T on the coding strand, the complement: SCN3A is on the minus strand). VCF-style: chr2-165130260-G-A. GRCh37 (hg19) VCF-style: chr2-165986770-G-A.
Other names: c.2455C>T, p.Leu819= (NM_001081676.2, NM_001081677.2).
Identifiers: ClinVar variation 695995 (VCV000695995.20), dbSNP rs146737695, ClinGen allele CA1938920.